The following is an entry in ClinVar:

NM_000321.3(RB1):c.106G>C (p.Asp36His)

Gene: RB1 (RB transcriptional corepressor 1; plus strand). Cytogenetic location: 13q14.2.
Variant type: single nucleotide variant.
Coding change: c.106G>C on transcript NM_000321.3 (MANE Select); coding-DNA position 106, G replaced by C.
Protein change: p.Asp36His; replaces aspartic acid 36 with histidine.
Molecular consequence: missense variant.
Genome position (GRCh38, 1-based): chr13:48,304,018, G>C. VCF-style: chr13-48304018-G-C. GRCh37 (hg19) VCF-style: chr13-48878154-G-C.
Other names: c.106G>C, p.Asp36His (NM_001407165.1, NM_001407166.1, NM_001407167.1); short protein forms D36H.
Identifiers: ClinVar variation 2765271 (VCV002765271.3), dbSNP rs745822791, ClinGen allele CA388250339.

ClinVar aggregate classification (germline): Uncertain significance (1 of 4 stars; one submission).

Conditions:
Retinoblastoma (RB1). Also called: RETINOBLASTOMA, SOMATIC. Identifiers: Orphanet 790, MedGen C0035335, MeSH D012175, MONDO:0008380, OMIM 180200, HP:0009919. Disease mechanism: loss of function. Inheritance: Both sporadic and heritable forms are tested..

gnomAD v4.1: 1 of 1,472,158 alleles (0.000068%); highest among the groups gnomAD compares: Non-Finnish European, 0.000089%; no homozygotes.

Submission:

Labcorp Genetics (formerly Invitae), Labcorp
Classification: Uncertain significance for Retinoblastoma. Last evaluated: 2024-01-21. Review status: criteria provided, single submitter. Criteria: Invitae Variant Classification Sherloc (09022015). Collection method: clinical testing. Allele origin: germline.
Comment: This sequence change replaces aspartic acid, which is acidic and polar, with histidine, which is basic and polar, at codon 36 of the RB1 protein (p.Asp36His). This variant is not present in population databases (gnomAD no frequency). This variant has not been reported in the literature in individuals affected with RB1-related conditions. Advanced modeling of protein sequence and biophysical properties (such as structural, functional, and spatial information, amino acid conservation, physicochemical variation, residue mobility, and thermodynamic stability) has been performed at Invitae for this missense variant, however the output from this modeling did not meet the statistical confidence thresholds required to predict the impact of this variant on RB1 protein function. In summary, the available evidence is currently insufficient to determine the role of this variant in disease. Therefore, it has been classified as a Variant of Uncertain Significance.